The following is an entry in ClinVar:

ClinVar aggregate classification (germline): Uncertain significance (1 of 4 stars; one submission).

Conditions:
Frontotemporal dementia and/or amyotrophic lateral sclerosis 7 (FTDALS7). Also called: CHMP2B-Related Frontotemporal Dementia-Amyotrophic Lateral Sclerosis; AMYOTROPHIC LATERAL SCLEROSIS, CHMP2B-RELATED; Amyotrophic lateral sclerosis 17; CHMP2B-related frontotemporal dementia. Identifiers: Orphanet 275864, Orphanet 282, Orphanet 803, MedGen C1833296, MONDO:0010936, OMIM 600795.

gnomAD v4.1: 3 of 1,613,800 alleles (0.00019%); highest among the groups gnomAD compares: African/African-American, 0.004%; no homozygotes.

Submission:

Labcorp Genetics (formerly Invitae), Labcorp
Classification: Uncertain significance for Frontotemporal dementia and/or amyotrophic lateral sclerosis 7. Last evaluated: 2024-04-25. Review status: criteria provided, single submitter. Criteria: Invitae Variant Classification Sherloc (09022015). Collection method: clinical testing. Allele origin: germline.
Comment: This sequence change replaces lysine, which is basic and polar, with glutamine, which is neutral and polar, at codon 72 of the CHMP2B protein (p.Lys72Gln). This variant is present in population databases (rs772729869, gnomAD 0.0009%). This variant has not been reported in the literature in individuals affected with CHMP2B-related conditions. An algorithm developed to predict the effect of missense changes on protein structure and function (PolyPhen-2) suggests that this variant is likely to be disruptive. In summary, the available evidence is currently insufficient to determine the role of this variant in disease. Therefore, it has been classified as a Variant of Uncertain Significance.

NM_014043.4(CHMP2B):c.214A>C (p.Lys72Gln)

Gene: CHMP2B (charged multivesicular body protein 2B; plus strand). Cytogenetic location: 3p11.2.
Variant type: single nucleotide variant.
Coding change: c.214A>C on transcript NM_014043.4 (MANE Select); coding-DNA position 214, A replaced by C.
Protein change: p.Lys72Gln; replaces lysine 72 with glutamine.
Molecular consequence: missense variant.
Genome position (GRCh38, 1-based): chr3:87,245,801, A>C. VCF-style: chr3-87245801-A-C. GRCh37 (hg19) VCF-style: chr3-87294951-A-C.
Other names: c.91A>C, p.Lys31Gln (NM_001244644.2); c.310A>C, p.Lys104Gln (NM_001410777.1); short protein forms K104Q, K31Q, K72Q.
Identifiers: ClinVar variation 3763154 (VCV003763154.2).